The following is an entry in ClinVar:

ClinVar aggregate classification (germline): Conflicting classifications of pathogenicity. Review status: criteria provided, conflicting classifications (1 of 4 stars). 6 submissions from 6 submitters: Uncertain significance (5); Likely benign (1). Last evaluated 2026-09-24.

Conditions:
Inborn genetic diseases. Identifiers: MedGen C0950123, MeSH D030342.
Meckel-Gruber syndrome. Also called: Dysencephalia splachnocystica; DYSENCEPHALIA SPLANCHNOCYSTICA; GRUBER SYNDROME. Identifiers: Orphanet 564, MedGen C0265215, MONDO:0018921.
Joubert syndrome. Also called: Familial aplasia of the vermis; JOUBERT-BOLTSHAUSER SYNDROME. Identifiers: Orphanet 475, MedGen C5979921, MONDO:0018772.
CC2D2A-related disorder. Also called: CC2D2A-related disorders; CC2D2A-related condition. Identifiers: MedGen CN239313.

Allele frequency attached by ClinVar (database versions not stated): gnomAD exomes 0.00008; ExAC 0.00009; 1000 Genomes Project 30x 0.00016; 1000 Genomes Project 0.00020; gnomAD 0.00021; TOPMed 0.00022; ESP Exome Variant Server 0.00033.
gnomAD v4.1: 59 of 1,609,710 alleles (0.0037%); highest among the groups gnomAD compares: African/African-American, 0.069%; no homozygotes.

Submissions (6):

GeneDx
Classification: Uncertain significance. Last evaluated: 2026-09-24. Review status: criteria provided, single submitter. Criteria: GeneDx Variant Classification Process June 2021. Collection method: clinical testing. Allele origin: germline.
Comment: In silico analysis supports that this missense variant has a deleterious effect on protein structure/function; Has not been previously published as pathogenic or benign to our knowledge

Labcorp Genetics (formerly Invitae), Labcorp
Classification: Likely benign for Joubert syndrome; Meckel-Gruber syndrome. Last evaluated: 2026-01-12. Review status: criteria provided, single submitter. Criteria: Invitae Variant Classification Sherloc (09022015). Collection method: clinical testing. Allele origin: germline.

PreventionGenetics, part of Exact Sciences
Classification: Uncertain significance for CC2D2A-related condition. Last evaluated: 2025-07-22. Review status: criteria provided, single submitter. Criteria: ACMG Guidelines, 2015. Collection method: clinical testing. Allele origin: germline.
Comment: The CC2D2A c.2270C>A variant is predicted to result in the amino acid substitution p.Ala757Asp. To our knowledge, this variant has not been reported in the literature. This variant is reported in 0.087% of alleles in individuals of African descent in gnomAD. Although we suspect that this variant may be benign, at this time, the clinical significance of this variant is uncertain due to the absence of conclusive functional and genetic evidence.

Ambry Genetics
Classification: Uncertain significance for Inborn genetic diseases. Last evaluated: 2025-03-28. Review status: criteria provided, single submitter. Criteria: Ambry Variant Classification Scheme 2023. Collection method: clinical testing. Allele origin: germline.

Blueprint Genetics
Classification: Uncertain significance. Last evaluated: 2021-09-29. Review status: criteria provided, single submitter. Criteria: ACMG Guidelines, 2015. Collection method: clinical testing. Allele origin: germline.

Eurofins Ntd Llc (ga)
Classification: Uncertain significance. Last evaluated: 2018-03-13. Review status: criteria provided, single submitter. Criteria: EGL ClinVar v180209 classification definitions. Collection method: clinical testing. Allele origin: germline. Observed: 1 variant allele, 1 heterozygote.

NM_001378615.1(CC2D2A):c.2270C>A (p.Ala757Asp)

Genes: CC2D2A (coiled-coil and C2 domain containing 2A; plus strand), FBXL5 (F-box and leucine rich repeat protein 5; minus strand). Cytogenetic location: 4p15.32.
Variant type: single nucleotide variant.
Coding change: c.2270C>A on transcript NM_001378615.1 (MANE Select); coding-DNA position 2270, C replaced by A.
Protein change: p.Ala757Asp; replaces alanine 757 with aspartic acid.
Molecular consequence: missense variant.
Genome position (GRCh38, 1-based): chr4:15,550,912, C>A. VCF-style: chr4-15550912-C-A. GRCh37 (hg19) VCF-style: chr4-15552535-C-A.
Other names: c.2270C>A, p.Ala757Asp (NM_001080522.2); c.2123C>A, p.Ala708Asp (NM_001378617.1); short protein forms A757D, A708D.
Identifiers: ClinVar variation 596441 (VCV000596441.19), dbSNP rs377188181, ClinGen allele CA2863876.